The following is an entry in ClinVar:

NM_016138.5(COQ7):c.401C>T (p.Ala134Val)

Gene: COQ7 (coenzyme Q7, hydroxylase; plus strand). Cytogenetic location: 16p12.3.
Variant type: single nucleotide variant.
Coding change: c.401C>T on transcript NM_016138.5 (MANE Select); coding-DNA position 401, C replaced by T.
Protein change: p.Ala134Val; replaces alanine 134 with valine.
Molecular consequence: missense variant. On other transcripts: non-coding transcript variant (3).
Genome position (GRCh38, 1-based): chr16:19,075,754, C>T. VCF-style: chr16-19075754-C-T. GRCh37 (hg19) VCF-style: chr16-19087076-C-T.
Other names: c.287C>T, p.Ala96Val (NM_001190983.2, NM_001370492.1, NM_001370493.1 and 2 more transcripts); c.359C>T, p.Ala120Val (NM_001370489.1, NM_001370491.1); c.401C>T, p.Ala134Val (NM_001370490.1); short protein forms A96V, A120V, A134V.
Identifiers: ClinVar variation 2066950 (VCV002066950.4), dbSNP rs2509357680, ClinGen allele CA394922563.

ClinVar aggregate classification (germline): Uncertain significance (1 of 4 stars; one submission).

Submission:

Labcorp Genetics (formerly Invitae), Labcorp
Classification: Uncertain significance. Last evaluated: 2022-01-02. Review status: criteria provided, single submitter. Criteria: Invitae Variant Classification Sherloc (09022015). Collection method: clinical testing. Allele origin: germline.
Comment: In summary, the available evidence is currently insufficient to determine the role of this variant in disease. Therefore, it has been classified as a Variant of Uncertain Significance. Algorithms developed to predict the effect of missense changes on protein structure and function (SIFT, PolyPhen-2, Align-GVGD) all suggest that this variant is likely to be disruptive. This variant has not been reported in the literature in individuals affected with COQ7-related conditions. This variant is not present in population databases (gnomAD no frequency). This sequence change replaces alanine, which is neutral and non-polar, with valine, which is neutral and non-polar, at codon 134 of the COQ7 protein (p.Ala134Val).